The following is an entry in ClinVar:

ClinVar aggregate classification (germline): Uncertain significance (1 of 4 stars; one submission).

Submission:

GeneDx
Classification: Uncertain significance. Last evaluated: 2025-04-10. Review status: criteria provided, single submitter. Criteria: GeneDx Variant Classification Process June 2021. Collection method: clinical testing. Allele origin: germline. Affected: yes.
Comment: Not observed at significant frequency in large population cohorts (gnomAD); In silico analysis indicates that this missense variant does not alter protein structure/function; Has not been previously published as pathogenic or benign to our knowledge

NM_020987.5(ANK3):c.10309C>G (p.Gln3437Glu)

Gene: ANK3 (ankyrin 3; minus strand). Cytogenetic location: 10q21.2.
Variant type: single nucleotide variant.
Coding change: c.10309C>G on transcript NM_020987.5 (MANE Select); coding-DNA position 10309, C replaced by G.
Protein change: p.Gln3437Glu; replaces glutamine 3437 with glutamic acid.
Molecular consequence: missense variant. On other transcripts: intron variant (4).
Genome position (GRCh38, 1-based): chr10:60,070,572, G>C on the plus strand (C>G on the coding strand, the complement: ANK3 is on the minus strand). VCF-style: chr10-60070572-G-C. GRCh37 (hg19) VCF-style: chr10-61830330-G-C.
Other names: c.4388-2563C>G (NM_001204403.2); c.4409-2563C>G (NM_001204404.2); c.4406-2563C>G (NM_001320874.2); c.1808-2563C>G (NM_001149.4); short protein forms Q3437E.
Identifiers: ClinVar variation 4281817 (VCV004281817.1).